The following is an entry in ClinVar:

NM_001148.6(ANK2):c.2959A>G (p.Asn987Asp)

Gene: ANK2 (ankyrin 2; plus strand). Cytogenetic location: 4q26.
Variant type: single nucleotide variant.
Coding change: c.2959A>G on transcript NM_001148.6 (MANE Select); coding-DNA position 2959, A replaced by G.
Protein change: p.Asn987Asp; replaces asparagine 987 with aspartic acid.
Molecular consequence: missense variant.
Genome position (GRCh38, 1-based): chr4:113,330,304, A>G. VCF-style: chr4-113330304-A-G. GRCh37 (hg19) VCF-style: chr4-114251460-A-G.
Other names: c.2932A>G, p.Asn978Asp (NM_001127493.3); c.2971A>G, p.Asn991Asp (NM_001354225.2); c.2959A>G, p.Asn987Asp (NM_001354228.2, NM_001354258.2, NM_020977.5); c.3037A>G, p.Asn1013Asp (NM_001354230.2, NM_001354237.2); c.3001A>G, p.Asn1001Asp (NM_001354231.2, NM_001354242.2); c.2995A>G, p.Asn999Asp (NM_001354232.2); c.2956A>G, p.Asn986Asp (NM_001354235.2, NM_001354236.2, NM_001354246.2 and 1 more transcripts); c.2929A>G, p.Asn977Asp (NM_001354239.2, NM_001354252.2, NM_001354272.2); and 23 more; short protein forms N1001D, N859D, N933D, N945D, N968D, N975D, N986D, N999D.
Identifiers: ClinVar variation 2145479 (VCV002145479.5), dbSNP rs2153923513, ClinGen allele CA357935019.

ClinVar aggregate classification (germline): Uncertain significance. Review status: criteria provided, multiple submitters, no conflicts (2 of 4 stars). 2 submissions from 2 submitters: Uncertain significance (2). Last evaluated 2026-04-09.

Conditions:
Long QT syndrome (LQTS). Identifiers: MedGen C0023976, MeSH D008133, MONDO:0002442. Disease mechanism: loss of function. Inheritance: Various modes of inheritance.
Cardiovascular phenotype. Identifiers: MedGen CN230736.

Allele frequency attached by ClinVar (database versions not stated): gnomAD exomes below 0.00001.
gnomAD v4.1: 1 of 1,614,234 alleles (0.000062%); highest among the groups gnomAD compares: Non-Finnish European, 0.000085%; no homozygotes.

Submissions (2):

Ambry Genetics
Classification: Uncertain significance for Cardiovascular phenotype. Last evaluated: 2026-04-09. Review status: criteria provided, single submitter. Criteria: Ambry Variant Classification Scheme 2023. Collection method: clinical testing. Allele origin: germline.

Labcorp Genetics (formerly Invitae), Labcorp
Classification: Uncertain significance for Long QT syndrome. Last evaluated: 2022-04-24. Review status: criteria provided, single submitter. Criteria: Invitae Variant Classification Sherloc (09022015). Collection method: clinical testing. Allele origin: germline.
Comment: In summary, the available evidence is currently insufficient to determine the role of this variant in disease. Therefore, it has been classified as a Variant of Uncertain Significance. Algorithms developed to predict the effect of missense changes on protein structure and function are either unavailable or do not agree on the potential impact of this missense change (SIFT: "Tolerated"; PolyPhen-2: "Probably Damaging"; Align-GVGD: "Class C0"). This variant has not been reported in the literature in individuals affected with ANK2-related conditions. This variant is not present in population databases (gnomAD no frequency). This sequence change replaces asparagine, which is neutral and polar, with aspartic acid, which is acidic and polar, at codon 987 of the ANK2 protein (p.Asn987Asp).